The following is an entry in ClinVar:

ClinVar aggregate classification (germline): Uncertain significance (1 of 4 stars; one submission).

Conditions:
2-aminoadipic 2-oxoadipic aciduria (AAKAD). Also called: Aminoadipic aciduria; ALPHA-AMINOADIPIC AND ALPHA-KETOADIPIC ACIDURIA. Identifiers: Orphanet 79154, MedGen C1859817, MONDO:0008774, OMIM 204750.

Allele frequency attached by ClinVar (database versions not stated): ExAC 0.00001; gnomAD 0.00001; gnomAD exomes 0.00001; TOPMed 0.00001.
gnomAD v4.1: 6 of 1,609,954 alleles (0.00037%); highest among the groups gnomAD compares: Admixed American, 0.0034%; no homozygotes.

Submission:

Labcorp Genetics (formerly Invitae), Labcorp
Classification: Uncertain significance for 2-aminoadipic 2-oxoadipic aciduria. Last evaluated: 2024-10-22. Review status: criteria provided, single submitter. Criteria: Invitae Variant Classification Sherloc (09022015). Collection method: clinical testing. Allele origin: germline.
Comment: This sequence change replaces glycine, which is neutral and non-polar, with arginine, which is basic and polar, at codon 726 of the DHTKD1 protein (p.Gly726Arg). This variant is present in population databases (rs763086542, gnomAD 0.003%). This variant has not been reported in the literature in individuals affected with DHTKD1-related conditions. ClinVar contains an entry for this variant (Variation ID: 1364148). An algorithm developed to predict the effect of missense changes on protein structure and function (PolyPhen-2) suggests that this variant is likely to be tolerated. In summary, the available evidence is currently insufficient to determine the role of this variant in disease. Therefore, it has been classified as a Variant of Uncertain Significance.

NM_018706.7(DHTKD1):c.2176G>C (p.Gly726Arg)

Gene: DHTKD1 (dehydrogenase E1 and transketolase domain containing 1; plus strand). Cytogenetic location: 10p14.
Variant type: single nucleotide variant.
Coding change: c.2176G>C on transcript NM_018706.7 (MANE Select); coding-DNA position 2176, G replaced by C.
Protein change: p.Gly726Arg; replaces glycine 726 with arginine.
Molecular consequence: missense variant.
Genome position (GRCh38, 1-based): chr10:12,112,921, G>C. VCF-style: chr10-12112921-G-C. GRCh37 (hg19) VCF-style: chr10-12154920-G-C.
Other names: short protein forms G726R.
Identifiers: ClinVar variation 1364148 (VCV001364148.6), dbSNP rs763086542, ClinGen allele CA5408171.